The following is an entry in ClinVar:

NM_000059.4(BRCA2):c.4567G>T (p.Gly1523Cys)

Gene: BRCA2 (BRCA2 DNA repair associated; plus strand). Cytogenetic location: 13q13.1.
Variant type: single nucleotide variant.
Coding change: c.4567G>T on transcript NM_000059.4 (MANE Select); coding-DNA position 4567, G replaced by T.
Protein change: p.Gly1523Cys; replaces glycine 1523 with cysteine.
Molecular consequence: missense variant. On other transcripts: non-coding transcript variant (1), intron variant (2).
Genome position (GRCh38, 1-based): chr13:32,338,922, G>T. VCF-style: chr13-32338922-G-T. GRCh37 (hg19) VCF-style: chr13-32913059-G-T.
Other names: c.4567G>T, p.Gly1523Cys (NM_001406719.1, NM_001406720.1); c.1909+5535G>T (NM_001406721.1); c.425-5636G>T (NM_001406722.1); short protein forms G1523C.
Identifiers: ClinVar variation 2662061 (VCV002662061.2), dbSNP rs587781418, ClinGen allele CA387781854.

ClinVar aggregate classification (germline): Uncertain significance. Review status: criteria provided, multiple submitters, no conflicts (2 of 4 stars). 2 submissions from 2 submitters: Uncertain significance (2). Last evaluated 2025-03-31.

Submissions (2):

Quest Diagnostics Nichols Institute San Juan Capistrano
Classification: Uncertain significance. Last evaluated: 2025-03-31. Review status: criteria provided, single submitter. Criteria: Quest Diagnostics criteria. Collection method: clinical testing. Allele origin: unknown.
Comment: The BRCA2 c.4567G>T (p.Gly1523Cys) variant has been reported in the published literature in an individual with ovarian cancer (PMID: 29297111 (2018)). This variant has not been reported in large, multi-ethnic general populations (Genome Aggregation Database). Analysis of this variant using bioinformatics tools for the prediction of the effect of amino acid changes on protein structure and function yielded conflicting predictions that this variant is benign or damaging. Based on the available information, we are unable to determine the clinical significance of this variant.

GeneDx
Classification: Uncertain significance. Last evaluated: 2023-04-07. Review status: criteria provided, single submitter. Criteria: GeneDx Variant Classification Process June 2021. Collection method: clinical testing. Allele origin: germline. Affected: yes.
Comment: Not observed at significant frequency in large population cohorts (gnomAD); In silico analysis supports that this missense variant has a deleterious effect on protein structure/function; Observed in individual(s) with ovarian cancer in published literature (Alhuqail et al., 2018); Also known as 4795G>T; This variant is associated with the following publications: (PMID: 9002670, 22193408, 29297111)

Literature cited by the submitters: PubMed 29297111 (cited by Quest Diagnostics Nichols Institute San Juan Capistrano).